The following is an entry in ClinVar:

NM_005911.6(MAT2A):c.952-20C>T

Genes: GGCX (gamma-glutamyl carboxylase; minus strand), MAT2A (methionine adenosyltransferase 2A; plus strand). Cytogenetic location: 2p11.2.
Variant type: single nucleotide variant.
Coding change: c.952-20C>T on transcript NM_005911.6 (MANE Select); 20 bases into the intron before coding-DNA position 952, C replaced by T.
Molecular consequence: intron variant.
Genome position (GRCh38, 1-based): chr2:85,542,881, C>T. VCF-style: chr2-85542881-C-T. GRCh37 (hg19) VCF-style: chr2-85770004-C-T.
Identifiers: ClinVar variation 507213 (VCV000507213.10), dbSNP rs151049338, ClinGen allele CA1741534.

ClinVar aggregate classification (germline): Likely benign. Review status: criteria provided, multiple submitters, no conflicts (2 of 4 stars). 3 submissions from 3 submitters: Likely benign (3). Last evaluated 2025-12-21.

Conditions:
Familial thoracic aortic aneurysm and aortic dissection (TAAD). Also called: Thoracic aortic aneurysms and dissections. Identifiers: Orphanet 91387, MedGen C4707243, MONDO:0019625.

Allele frequency attached by ClinVar (database versions not stated): ExAC 0.00008; ESP Exome Variant Server 0.00008; TOPMed 0.00008; gnomAD exomes 0.00009; 1000 Genomes Project 30x 0.00016; 1000 Genomes Project 0.00020.

Submissions (3):

Labcorp Genetics (formerly Invitae), Labcorp
Classification: Likely benign for Familial thoracic aortic aneurysm and aortic dissection. Last evaluated: 2025-12-21. Review status: criteria provided, single submitter. Criteria: Invitae Variant Classification Sherloc (09022015). Collection method: clinical testing. Allele origin: germline.

Blueprint Genetics
Classification: Likely benign. Last evaluated: 2024-10-25. Review status: criteria provided, single submitter. Criteria: ACMG Guidelines, 2015. Collection method: clinical testing. Allele origin: germline.

GeneDx
Classification: Likely benign. Last evaluated: 2017-09-21. Review status: criteria provided, single submitter. Criteria: GeneDx Variant Classification (06012015). Collection method: clinical testing. Allele origin: germline. Affected: yes.
Comment: This variant is considered likely benign or benign based on one or more of the following criteria: it is a conservative change, it occurs at a poorly conserved position in the protein, it is predicted to be benign by multiple in silico algorithms, and/or has population frequency not consistent with disease.